The following is an entry in ClinVar:

ClinVar aggregate classification (germline): Uncertain significance (1 of 4 stars; one submission).

Conditions:
Hereditary cancer-predisposing syndrome. Also called: Hereditary Cancer Syndrome; Hereditary neoplastic syndrome; Neoplastic Syndromes, Hereditary; Tumor predisposition. Identifiers: Orphanet 140162, MedGen C0027672, MeSH D009386, MONDO:0015356.

Submission:

Sema4
Classification: Uncertain significance for Hereditary cancer-predisposing syndrome. Last evaluated: 2021-09-14. Review status: criteria provided, single submitter. Criteria: Sema4 Curation Guidelines. Collection method: curation. Allele origin: germline.
Comment: To the best of our knowledge, the DICER1 c.4906G>C (p.D1636H) variant has not been reported in individuals with DICER1-related disease. It was not observed in the large and broad cohorts of the Genome Aggregation Database, nor has it been reported in ClinVar. Functional studies have not been performed, and in silico predictions of the variant's effect on protein function are inconclusive. The evidence is insufficient to meet ACMG/AMP criteria for classifying the variant as benign or pathogenic. Thus, the clinical significance of this variant is currently uncertain.

NM_177438.3(DICER1):c.4906G>C (p.Asp1636His)

Gene: DICER1 (dicer 1, ribonuclease III; minus strand). Cytogenetic location: 14q32.13.
Variant type: single nucleotide variant.
Coding change: c.4906G>C on transcript NM_177438.3 (MANE Select); coding-DNA position 4906, G replaced by C.
Protein change: p.Asp1636His; replaces aspartic acid 1636 with histidine.
Molecular consequence: missense variant. On other transcripts: non-coding transcript variant (6).
Genome position (GRCh38, 1-based): chr14:95,096,014, C>G on the plus strand (G>C on the coding strand, the complement: DICER1 is on the minus strand). VCF-style: chr14-95096014-C-G. GRCh37 (hg19) VCF-style: chr14-95562351-C-G.
Other names: c.4906G>C, p.Asp1636His (NM_001395695.1, NM_030621.4, NM_001195573.1 and 12 more transcripts); c.4501G>C, p.Asp1501His (NM_001395696.1, NM_001395687.1, NM_001395688.1 and 2 more transcripts); c.3223G>C, p.Asp1075His (NM_001395697.1); c.4624G>C, p.Asp1542His (NM_001395686.1); c.4339G>C, p.Asp1447His (NM_001395691.1); short protein forms D1075H, D1447H, D1501H, D1542H, D1636H.
Identifiers: ClinVar variation 1692094 (VCV001692094.1), dbSNP rs2139840663, ClinGen allele CA390866360.